The following is an entry in ClinVar:

NM_001170700.3(DTHD1):c.1147G>C (p.Val383Leu)

Gene: DTHD1 (death domain containing 1; plus strand). Cytogenetic location: 4p14.
Variant type: single nucleotide variant.
Coding change: c.1147G>C on transcript NM_001170700.3 (MANE Select); coding-DNA position 1147, G replaced by C.
Protein change: p.Val383Leu; replaces valine 383 with leucine.
Molecular consequence: missense variant. On other transcripts: non-coding transcript variant (2).
Genome position (GRCh38, 1-based): chr4:36,290,632, G>C. VCF-style: chr4-36290632-G-C. GRCh37 (hg19) VCF-style: chr4-36292254-G-C.
Other names: c.277G>C, p.Val93Leu (NM_001136536.5, NM_001378435.1); short protein forms V383L, V93L.
Identifiers: ClinVar variation 2393466 (VCV002393466.7), dbSNP rs781472337, ClinGen allele CA2885613.

ClinVar aggregate classification (germline): Uncertain significance. Review status: criteria provided, multiple submitters, no conflicts (2 of 4 stars). 3 submissions from 3 submitters: Uncertain significance (3). Last evaluated 2025-10-20.

Allele frequency attached by ClinVar (database versions not stated): gnomAD exomes 0.00001; TOPMed 0.00002; gnomAD 0.00003; ExAC 0.00005; 1000 Genomes Project 30x 0.00016.
gnomAD v4.1: 14 of 1,549,062 alleles (0.0009%); highest among the groups gnomAD compares: East Asian, 0.032%; no homozygotes.

Submissions (3):

Labcorp Genetics (formerly Invitae), Labcorp
Classification: Uncertain significance. Last evaluated: 2025-10-20. Review status: criteria provided, single submitter. Criteria: Invitae Variant Classification Sherloc (09022015). Collection method: clinical testing. Allele origin: germline.
Comment: This sequence change replaces valine, which is neutral and non-polar, with leucine, which is neutral and non-polar, at codon 93 of the DTHD1 protein (p.Val93Leu). This variant is present in population databases (rs781472337, gnomAD 0.07%), and has an allele count higher than expected for a pathogenic variant. This variant has not been reported in the literature in individuals affected with DTHD1-related conditions. ClinVar contains an entry for this variant (Variation ID: 2393466). An algorithm developed to predict the effect of missense changes on protein structure and function outputs the following: PolyPhen-2: "Benign". The leucine amino acid residue is found in multiple mammalian species, which suggests that this missense change does not adversely affect protein function. In summary, the available evidence is currently insufficient to determine the role of this variant in disease. Therefore, it has been classified as a Variant of Uncertain Significance.

Ambry Genetics
Classification: Uncertain significance. Last evaluated: 2025-04-06. Review status: criteria provided, single submitter. Criteria: Ambry Variant Classification Scheme 2023. Collection method: clinical testing. Allele origin: germline.

Blueprint Genetics
Classification: Uncertain significance. Last evaluated: 2017-12-16. Review status: criteria provided, single submitter. Criteria: ACMG Guidelines, 2015. Collection method: clinical testing. Allele origin: germline.